The following is an entry in ClinVar:

NM_022051.3(EGLN1):c.376C>T (p.Pro126Ser)

Gene: EGLN1 (egl-9 family hypoxia inducible factor 1; minus strand). Cytogenetic location: 1q42.2.
Variant type: single nucleotide variant.
Coding change: c.376C>T on transcript NM_022051.3 (MANE Select); coding-DNA position 376, C replaced by T.
Protein change: p.Pro126Ser; replaces proline 126 with serine.
Molecular consequence: missense variant.
Genome position (GRCh38, 1-based): chr1:231,421,513, G>A on the plus strand (C>T on the coding strand, the complement: EGLN1 is on the minus strand). VCF-style: chr1-231421513-G-A. GRCh37 (hg19) VCF-style: chr1-231557259-G-A.
Other names: c.376C>T, p.Pro126Ser (NM_001377260.1, NM_001377261.1); short protein forms P126S.
Identifiers: ClinVar variation 3631958 (VCV003631958.2).
Genomic context (GRCh38, chr1:231,421,513, plus strand): 5'-TGCCGGGCTCGGCTTCGGCAGCCACCGCCGAGCCCTGGCCGCCGGCGGCCGCACGACACG[G>A]CGACGCGGCCGCCGCTGGGTCGGCCGGGGGCTTGGCCTTTACTTTTCCCTTGGCCGCGTC-3'
Protein context (NP_071334.1, residues 116-136): PPADPAAAAS[Pro126Ser]CRAAAGGQGS

ClinVar aggregate classification (germline): Uncertain significance (1 of 4 stars; one submission).

Conditions:
Erythrocytosis, familial, 3 (ECYT3). Identifiers: Orphanet 247511, MedGen C1853286, MONDO:0012353, OMIM 609820.

Submission:

Labcorp Genetics (formerly Invitae), Labcorp
Classification: Uncertain significance for Erythrocytosis, familial, 3. Last evaluated: 2024-04-24. Review status: criteria provided, single submitter. Criteria: Invitae Variant Classification Sherloc (09022015). Collection method: clinical testing. Allele origin: germline.
Comment: This sequence change replaces proline, which is neutral and non-polar, with serine, which is neutral and polar, at codon 126 of the EGLN1 protein (p.Pro126Ser). This variant is not present in population databases (gnomAD no frequency). This variant has not been reported in the literature in individuals affected with EGLN1-related conditions. An algorithm developed to predict the effect of missense changes on protein structure and function (PolyPhen-2) suggests that this variant is likely to be disruptive. In summary, the available evidence is currently insufficient to determine the role of this variant in disease. Therefore, it has been classified as a Variant of Uncertain Significance.